The following is an entry in ClinVar:

ClinVar aggregate classification (germline): Uncertain significance (1 of 4 stars; one submission).

Conditions:
Severe combined immunodeficiency due to DNA-PKcs deficiency. Also called: IMMUNODEFICIENCY 26 WITH NEUROLOGIC ABNORMALITIES; Immunodeficiency 26 with or without neurologic abnormalities. Identifiers: Orphanet 317425, MedGen C4014833, MONDO:0014423, OMIM 615966.

Allele frequency attached by ClinVar (database versions not stated): gnomAD exomes 0.00003.
gnomAD v4.1: 24 of 1,613,224 alleles (0.0015%); highest among the groups gnomAD compares: Non-Finnish European, 0.002%; no homozygotes.

Submission:

Labcorp Genetics (formerly Invitae), Labcorp
Classification: Uncertain significance for Severe combined immunodeficiency due to DNA-PKcs deficiency. Last evaluated: 2021-12-23. Review status: criteria provided, single submitter. Criteria: Invitae Variant Classification Sherloc (09022015). Collection method: clinical testing. Allele origin: germline.
Comment: This sequence change replaces leucine, which is neutral and non-polar, with valine, which is neutral and non-polar, at codon 2542 of the PRKDC protein (p.Leu2542Val). This variant is not present in population databases (gnomAD no frequency). This variant has not been reported in the literature in individuals affected with PRKDC-related conditions. Experimental studies and prediction algorithms are not available or were not evaluated, and the functional significance of this variant is currently unknown. In summary, the available evidence is currently insufficient to determine the role of this variant in disease. Therefore, it has been classified as a Variant of Uncertain Significance.

NM_006904.7(PRKDC):c.7624C>G (p.Leu2542Val)

Gene: PRKDC (protein kinase, DNA-activated, catalytic subunit; minus strand). Cytogenetic location: 8q11.21.
Variant type: single nucleotide variant.
Coding change: c.7624C>G on transcript NM_006904.7 (MANE Select); coding-DNA position 7624, C replaced by G.
Protein change: p.Leu2542Val; replaces leucine 2542 with valine.
Molecular consequence: missense variant.
Genome position (GRCh38, 1-based): chr8:47,837,349, G>C on the plus strand (C>G on the coding strand, the complement: PRKDC is on the minus strand). VCF-style: chr8-47837349-G-C. GRCh37 (hg19) VCF-style: chr8-48749910-G-C.
Other names: c.7624C>G, p.Leu2542Val (NM_001081640.2); short protein forms L2542V.
Identifiers: ClinVar variation 2055983 (VCV002055983.4), dbSNP rs2551867516, ClinGen allele CA371153131.